The following is an entry in ClinVar:

ClinVar aggregate classification (germline): Uncertain significance. Review status: criteria provided, multiple submitters, no conflicts (2 of 4 stars). 2 submissions from 2 submitters: Uncertain significance (2). Last evaluated 2024-12-24.

Conditions:
Cardiovascular phenotype. Identifiers: MedGen CN230736.
Sitosterolemia (STSL). Also called: PHYTOSTEROLEMIA. Identifiers: Orphanet 2882, MedGen C0342907, MONDO:0008863.

Allele frequency attached by ClinVar (database versions not stated): TOPMed 0.00001; gnomAD exomes 0.00004; gnomAD 0.00001; ExAC 0.00005.
gnomAD v4.1: 23 of 1,614,048 alleles (0.0014%); highest among the groups gnomAD compares: Middle Eastern, 0.016%; no homozygotes.

Submissions (2):

Ambry Genetics
Classification: Uncertain significance for Cardiovascular phenotype. Last evaluated: 2024-12-24. Review status: criteria provided, single submitter. Criteria: Ambry Variant Classification Scheme 2023. Collection method: clinical testing. Allele origin: germline.
Comment: The p.A429T variant (also known as c.1285G>A), located in coding exon 9 of the ABCG5 gene, results from a G to A substitution at nucleotide position 1285. The alanine at codon 429 is replaced by threonine, an amino acid with similar properties. This variant was reported as heterozygous in individual(s) in familial hypercholesterolemia (FH) cohorts (Pillai KKB et al. Clin Chim Acta, 2022 Feb;527:47-55; Rutkowska L et al. Genes (Basel), 2022 Jun;13:[ePub ahead of print]). This amino acid position is not well conserved in available vertebrate species. In addition, this alteration is predicted to be tolerated by in silico analysis. Based on the available evidence, the clinical significance of this variant remains unclear.

Labcorp Genetics (formerly Invitae), Labcorp
Classification: Uncertain significance for Sitosterolemia. Last evaluated: 2023-11-27. Review status: criteria provided, single submitter. Criteria: Invitae Variant Classification Sherloc (09022015). Collection method: clinical testing. Allele origin: germline.
Comment: This sequence change replaces alanine, which is neutral and non-polar, with threonine, which is neutral and polar, at codon 429 of the ABCG5 protein (p.Ala429Thr). This variant is present in population databases (rs779125742, gnomAD 0.01%). This missense change has been observed in individual(s) with ABCG5-related conditions (PMID: 35741760). ClinVar contains an entry for this variant (Variation ID: 962525). An algorithm developed to predict the effect of missense changes on protein structure and function (PolyPhen-2) suggests that this variant is likely to be disruptive. In summary, the available evidence is currently insufficient to determine the role of this variant in disease. Therefore, it has been classified as a Variant of Uncertain Significance.

Literature cited by the submitters: PubMed 34998859 (cited by Ambry Genetics); PubMed 35741760 (cited by Ambry Genetics and Labcorp Genetics (formerly Invitae), Labcorp).

NM_022436.3(ABCG5):c.1285G>A (p.Ala429Thr)

Genes: ABCG5 (ATP binding cassette subfamily G member 5; minus strand), DYNC2LI1 (dynein cytoplasmic 2 light intermediate chain 1; plus strand). Cytogenetic location: 2p21.
Variant type: single nucleotide variant.
Coding change: c.1285G>A on transcript NM_022436.3 (MANE Select); coding-DNA position 1285, G replaced by A.
Protein change: p.Ala429Thr; replaces alanine 429 with threonine.
Molecular consequence: missense variant. On other transcripts: intron variant (2).
Genome position (GRCh38, 1-based): chr2:43,823,952, C>T on the plus strand (G>A on the coding strand, the complement: ABCG5 is on the minus strand). VCF-style: chr2-43823952-C-T. GRCh37 (hg19) VCF-style: chr2-44051091-C-T.
Other names: c.*16-3434C>T (NM_001348913.2, NM_001348912.2); short protein forms A429T.
Identifiers: ClinVar variation 962525 (VCV000962525.10), dbSNP rs779125742, ClinGen allele CA1636347.